The following is an entry in ClinVar:

ClinVar aggregate classification (germline): Likely pathogenic (1 of 4 stars; one submission).

Conditions:
Carnitine palmitoyl transferase 1A deficiency. Also called: CPT I DEFICIENCY; CPT DEFICIENCY, HEPATIC, TYPE I; Carnitine palmitoyltransferase type I deficiency; CPT deficiency, hepatic, type IA; Carnitine palmitoyltransferase 1A deficiency. Identifiers: Orphanet 156, MedGen C1829703, MONDO:0009705, OMIM 255120.

Submission:

Natera, Inc.
Classification: Likely pathogenic for Carnitine palmitoyltransferase type I deficiency. Last evaluated: 2024-06-27. Review status: criteria provided, single submitter. Criteria: Natera Variant Classification Schema (03/2026). Collection method: clinical testing. Allele origin: germline.
Comment: The c.500del variant in CPT1A is a frameshift variant predicted to shift the reading frame beginning at codon 167 and leads to a stop codon 17 codons downstream. This variant is expected to result in nonsense mediated decay, truncation, or a dysfunctional protein product. This variant is rare in the general population with a frequency below the threshold expected for the associated phenotype(s). Given the available evidence, this variant is classified as Likely Pathogenic.

NM_001876.4(CPT1A):c.500del (p.Phe167fs)

Gene: CPT1A (carnitine palmitoyltransferase 1A; minus strand). Cytogenetic location: 11q13.3.
Variant type: Deletion.
Coding change: c.500del on transcript NM_001876.4 (MANE Select); coding-DNA position 500, one base deleted (T; older notation c.500delT).
Protein change: p.Phe167fs; shifts the reading frame from phenylalanine 167.
Molecular consequence: frameshift variant.
Genome position (GRCh38, 1-based): chr11:68,804,055, A deleted on the plus strand (T on the coding strand, the reverse complement: CPT1A is on the minus strand); the first of 2 consecutive A bases (chr11:68,804,055-68,804,056); deleting either gives the same sequence. VCF-style (leftmost placement, unchanged base first): chr11-68804054-GA-G. GRCh37 (hg19) VCF-style: chr11-68571522-GA-G.
Other names: c.500del, p.Phe167fs (NM_001031847.3, NM_001440358.1, NM_001440359.1 and 6 more transcripts); short protein forms F167fs.
Identifiers: ClinVar variation 4814978 (VCV004814978.1).